The following is an entry in ClinVar:

NM_004260.4(RECQL4):c.236_237insCA (p.Pro80fs)

Gene: RECQL4 (RecQ like helicase 4; minus strand). Cytogenetic location: 8q24.3.
Variant type: Insertion.
Coding change: c.236_237insCA on transcript NM_004260.4 (MANE Select); coding-DNA positions 236 to 237, CA inserted.
Protein change: p.Pro80fs; shifts the reading frame from proline 80.
Molecular consequence: frameshift variant. On other transcripts: 5 prime UTR variant (17), non-coding transcript variant (3).
Genome position: GRCh38 VCF-style: chr8-144517167-C-CTG. GRCh37 (hg19) VCF-style: chr8-145742551-C-CTG.
Other names: c.236_237insCA, p.Pro80fs (NM_001413017.1, NM_001413018.1, NM_001413019.1 and 5 more transcripts); c.-485_-484insCA (NM_001413021.1); c.-836_-835insCA (NM_001413022.1, NM_001413023.1, NM_001413037.1 and 3 more transcripts); c.-733_-732insCA (NM_001413024.1, NM_001413035.1); c.107_108insCA, p.Pro37fs (NM_001413025.1); c.-898_-897insCA (NM_001413027.1, NM_001413030.1, NM_001413031.1 and 1 more transcripts); c.-561_-560insCA (NM_001413028.1); c.-795_-794insCA (NM_001413032.1); and 2 more; short protein forms P37fs, P80fs.
Identifiers: ClinVar variation 2753661 (VCV002753661.4), dbSNP rs2538113308, ClinGen allele CA2697550249.

ClinVar aggregate classification (germline): Pathogenic/Likely pathogenic. Review status: criteria provided, multiple submitters, no conflicts (2 of 4 stars). 2 submissions from 2 submitters: Pathogenic (1); Likely pathogenic (1). Last evaluated 2023-10-04.

Conditions:
Baller-Gerold syndrome (BGS). Also called: CRANIOSYNOSTOSIS WITH RADIAL DEFECTS. Identifiers: Orphanet 1225, MedGen C0265308, MONDO:0009039, OMIM 218600.
Congenital heart disease (CHD). Identifiers: MedGen C0152021, MONDO:0005453. Disease mechanism: unknown.

Submissions (2):

Labcorp Genetics (formerly Invitae), Labcorp
Classification: Pathogenic for Baller-Gerold syndrome. Last evaluated: 2023-10-04. Review status: criteria provided, single submitter. Criteria: Invitae Variant Classification Sherloc (09022015). Collection method: clinical testing. Allele origin: germline.
Comment: This sequence change creates a premature translational stop signal (p.Pro80Serfs*4) in the RECQL4 gene. It is expected to result in an absent or disrupted protein product. Loss-of-function variants in RECQL4 are known to be pathogenic (PMID: 12734318, 12952869). This variant is not present in population databases (gnomAD no frequency). This variant has not been reported in the literature in individuals affected with RECQL4-related conditions. For these reasons, this variant has been classified as Pathogenic.

Department of Pathology and Laboratory Medicine, Sinai Health System
Classification: Likely pathogenic for congenital heart disease. Last evaluated: 2023-08-29. Review status: criteria provided, single submitter. Criteria: ACMG Guidelines, 2015. Collection method: research. Allele origin: germline.

Literature cited by the submitters: PubMed 12734318 (cited by Labcorp Genetics (formerly Invitae), Labcorp); PubMed 12952869 (cited by Labcorp Genetics (formerly Invitae), Labcorp).